The following is an entry in ClinVar:

NM_015047.3(EMC1):c.2573G>C (p.Ser858Thr)

Genes: EMC1 (ER membrane protein complex subunit 1; minus strand), EMC1-AS1 (EMC1 antisense RNA 1; plus strand). Cytogenetic location: 1p36.13.
Variant type: single nucleotide variant.
Coding change: c.2573G>C on transcript NM_015047.3 (MANE Select); coding-DNA position 2573, G replaced by C.
Protein change: p.Ser858Thr; replaces serine 858 with threonine.
Molecular consequence: missense variant.
Genome position (GRCh38, 1-based): chr1:19,222,638, C>G on the plus strand (G>C on the coding strand, the complement: EMC1 is on the minus strand). VCF-style: chr1-19222638-C-G. GRCh37 (hg19) VCF-style: chr1-19549132-C-G.
Other names: c.2579G>C, p.Ser860Thr (NM_001375821.1); c.2570G>C, p.Ser857Thr (NM_001271427.2, NM_001271428.2); c.2507G>C, p.Ser836Thr (NM_001271429.2); c.2582G>C, p.Ser861Thr (NM_001375820.1); short protein forms S858T, S861T, S860T, S836T, S857T.
Identifiers: ClinVar variation 3689034 (VCV003689034.2).
Genomic context (GRCh38, chr1:19,222,638, plus strand): 5'-TTGCCCAAGGGAACCCAGCCATCCCAGAGGCTCCCCAGTCACTCACTCAGCAGGTGTCGG[C>G]TGGTGATGCCCCGTTCGGTGATGGTGGCCTCCATGGCACTGATGGAGGACGGGAAGATAT-3'
Protein context (NP_055862.1, residues 848-868): EATITERGIT[Ser858Thr]RHLLIGLPSG

ClinVar aggregate classification (germline): Uncertain significance (1 of 4 stars; one submission).

gnomAD v4.1: 6 of 1,613,752 alleles (0.00037%); highest among the groups gnomAD compares: Non-Finnish European, 0.00042%; no homozygotes.

Submission:

Labcorp Genetics (formerly Invitae), Labcorp
Classification: Uncertain significance. Last evaluated: 2024-11-03. Review status: criteria provided, single submitter. Criteria: Invitae Variant Classification Sherloc (09022015). Collection method: clinical testing. Allele origin: germline.
Comment: This sequence change replaces serine, which is neutral and polar, with threonine, which is neutral and polar, at codon 858 of the EMC1 protein (p.Ser858Thr). This variant is present in population databases (rs750410302, gnomAD 0.0009%). This variant has not been reported in the literature in individuals affected with EMC1-related conditions. Invitae Evidence Modeling of protein sequence and biophysical properties (such as structural, functional, and spatial information, amino acid conservation, physicochemical variation, residue mobility, and thermodynamic stability) indicates that this missense variant is not expected to disrupt EMC1 protein function with a negative predictive value of 80%. In summary, the available evidence is currently insufficient to determine the role of this variant in disease. Therefore, it has been classified as a Variant of Uncertain Significance.